The following is an entry in ClinVar:

ClinVar aggregate classification (germline): Uncertain significance (1 of 4 stars; one submission).

Allele frequency attached by ClinVar (database versions not stated): gnomAD exomes 0.00002 and 0.00003; ExAC 0.00001; gnomAD 0.00001; TOPMed 0.00001.
gnomAD v4.1: 12 of 1,612,506 alleles (0.00074%); highest among the groups gnomAD compares: Admixed American, 0.017%; no homozygotes.

Submission:

Labcorp Genetics (formerly Invitae), Labcorp
Classification: Uncertain significance. Last evaluated: 2022-06-13. Review status: criteria provided, single submitter. Criteria: Invitae Variant Classification Sherloc (09022015). Collection method: clinical testing. Allele origin: germline.
Comment: In summary, the available evidence is currently insufficient to determine the role of this variant in disease. Therefore, it has been classified as a Variant of Uncertain Significance. Advanced modeling of protein sequence and biophysical properties (such as structural, functional, and spatial information, amino acid conservation, physicochemical variation, residue mobility, and thermodynamic stability) performed at Invitae indicates that this missense variant is not expected to disrupt COMP protein function. This variant has not been reported in the literature in individuals affected with COMP-related conditions. This variant is present in population databases (rs770795074, gnomAD 0.02%). This sequence change replaces tyrosine, which is neutral and polar, with histidine, which is basic and polar, at codon 749 of the COMP protein (p.Tyr749His).

NM_000095.3(COMP):c.2245T>C (p.Tyr749His)

Gene: COMP (cartilage oligomeric matrix protein; minus strand). Cytogenetic location: 19p13.11.
Variant type: single nucleotide variant.
Coding change: c.2245T>C on transcript NM_000095.3 (MANE Select); coding-DNA position 2245, T replaced by C.
Protein change: p.Tyr749His; replaces tyrosine 749 with histidine.
Molecular consequence: missense variant.
Genome position (GRCh38, 1-based): chr19:18,782,944, A>G on the plus strand (T>C on the coding strand, the complement: COMP is on the minus strand). VCF-style: chr19-18782944-A-G. GRCh37 (hg19) VCF-style: chr19-18893754-A-G.
Other names: short protein forms Y749H.
Identifiers: ClinVar variation 1463173 (VCV001463173.6), dbSNP rs770795074, ClinGen allele CA9316119.